The following is an entry in ClinVar:

NM_000020.3(ACVRL1):c.310G>T (p.Glu104Ter)

Gene: ACVRL1 (activin A receptor like type 1; plus strand). Cytogenetic location: 12q13.13.
Variant type: single nucleotide variant.
Coding change: c.310G>T on transcript NM_000020.3 (MANE Select); coding-DNA position 310, G replaced by T.
Protein change: p.Glu104Ter; replaces glutamic acid 104 with a stop codon.
Molecular consequence: nonsense.
Genome position (GRCh38, 1-based): chr12:51,913,347, G>T. VCF-style: chr12-51913347-G-T. GRCh37 (hg19) VCF-style: chr12-52307131-G-T.
Other names: c.310G>T, p.Glu104Ter (NM_001077401.2, NM_001406487.1, NM_001406488.1 and 6 more transcripts); short protein forms E104*.
Identifiers: ClinVar variation 1727739 (VCV001727739.3), dbSNP rs2540159358, ClinGen allele CA384898135.

ClinVar aggregate classification (germline): Pathogenic (1 of 4 stars; one submission).

Conditions:
Cardiovascular phenotype. Identifiers: MedGen CN230736.

Submission:

Ambry Genetics
Classification: Pathogenic for Cardiovascular phenotype. Last evaluated: 2024-04-22. Review status: criteria provided, single submitter. Criteria: Ambry Variant Classification Scheme 2023. Collection method: clinical testing. Allele origin: germline.
Comment: The p.E104* pathogenic mutation (also known as c.310G>T), located in coding exon 2 of the ACVRL1 gene, results from a G to T substitution at nucleotide position 310. This changes the amino acid from a glutamic acid to a stop codon within coding exon 2. This variant is considered to be rare based on population cohorts in the Genome Aggregation Database (gnomAD). This alteration is expected to result in loss of function by premature protein truncation or nonsense-mediated mRNA decay. As such, this alteration is interpreted as a disease-causing mutation.